The following is an entry in ClinVar:

NM_138425.4(C12orf57):c.20A>C (p.Gln7Pro)

Gene: C12orf57 (chromosome 12 open reading frame 57; plus strand). Cytogenetic location: 12p13.31.
Variant type: single nucleotide variant.
Coding change: c.20A>C on transcript NM_138425.4 (MANE Select); coding-DNA position 20, A replaced by C.
Protein change: p.Gln7Pro; replaces glutamine 7 with proline.
Molecular consequence: missense variant. On other transcripts: intron variant (1), 5 prime UTR variant (1), non-coding transcript variant (1).
Genome position (GRCh38, 1-based): chr12:6,944,141, A>C. VCF-style: chr12-6944141-A-C. GRCh37 (hg19) VCF-style: chr12-7053304-A-C.
Other names: c.14-335A>C (NM_001301836.2); c.20A>C, p.Gln7Pro (NM_001301834.1, NM_001301837.2); c.-182A>C (NM_001301838.2); short protein forms Q7P.
Identifiers: ClinVar variation 1009158 (VCV001009158.7), dbSNP rs782600196, ClinGen allele CA6421175.

ClinVar aggregate classification (germline): Uncertain significance (1 of 4 stars; one submission).

Conditions:
Temtamy syndrome (TEMTYS). Also called: MENTAL RETARDATION WITH OR WITHOUT CRANIOFACIAL DYSMORPHISM, OCULAR COLOBOMA, OR ABNORMAL CORPUS CALLOSUM. Identifiers: Orphanet 1777, MedGen C1857512, MONDO:0009033, OMIM 218340.

Allele frequency attached by ClinVar (database versions not stated): gnomAD 0.00004; TOPMed 0.00005; gnomAD exomes 0.00007; ExAC 0.00009.
gnomAD v4.1: 58 of 1,614,110 alleles (0.0036%); highest among the groups gnomAD compares: Middle Eastern, 0.049%; no homozygotes.

Submission:

Labcorp Genetics (formerly Invitae), Labcorp
Classification: Uncertain significance for Temtamy syndrome. Last evaluated: 2024-12-16. Review status: criteria provided, single submitter. Criteria: Invitae Variant Classification Sherloc (09022015). Collection method: clinical testing. Allele origin: germline.
Comment: This sequence change replaces glutamine, which is neutral and polar, with proline, which is neutral and non-polar, at codon 7 of the C12orf57 protein (p.Gln7Pro). This variant is present in population databases (rs782600196, gnomAD 0.02%). This variant has not been reported in the literature in individuals affected with C12orf57-related conditions. ClinVar contains an entry for this variant (Variation ID: 1009158). An algorithm developed to predict the effect of missense changes on protein structure and function outputs the following: PolyPhen-2: "Benign". The proline amino acid residue is found in multiple mammalian species, which suggests that this missense change does not adversely affect protein function. In summary, the available evidence is currently insufficient to determine the role of this variant in disease. Therefore, it has been classified as a Variant of Uncertain Significance.